The following is an entry in ClinVar:

ClinVar aggregate classification (germline): Likely pathogenic (1 of 4 stars; one submission).

Conditions:
Menkes kinky-hair syndrome (MNK). Also called: Copper transport disease; Classic Menkes Disease; Menkes Disease. Identifiers: Orphanet 565, MedGen C0022716, MONDO:0010651, OMIM 309400.

Submission:

Myriad Genetics, Inc.
Classification: Likely pathogenic for Menkes kinky-hair syndrome. Last evaluated: 2022-03-02. Review status: criteria provided, single submitter. Criteria: Myriad Autosomal Dominant, Autosomal Recessive and X-Linked Classification Criteria (2023). Collection method: clinical testing. Allele origin: unknown.
Comment: NM_000052.5(ATP7A):c.1424_1425delTG(M475Nfs*14) is expected to be pathogenic in the context of ATP7A-related disorders. This variant is predicted to lead to an abnormal or absent protein product due to the creation of a premature termination codon in ATP7A, a gene where loss-of-function variants are known to be pathogenic. Please note: this variant was assessed in the context of healthy population screening.

NM_000052.7(ATP7A):c.1424_1425del (p.Met475fs)

Gene: ATP7A (ATPase copper transporting alpha; plus strand). Cytogenetic location: Xq21.1.
Variant type: Deletion.
Coding change: c.1424_1425del on transcript NM_000052.7 (MANE Select); coding-DNA positions 1424 to 1425, 2 bases deleted (TG; older notation c.1424_1425delTG).
Protein change: p.Met475fs; shifts the reading frame from methionine 475.
Molecular consequence: frameshift variant.
Genome position (GRCh38, 1-based): chrX:77,998,565-77,998,566, TG deleted. VCF-style (leftmost placement, unchanged base first): chrX-77998564-ATG-A. GRCh37 (hg19) VCF-style: chrX-77254061-ATG-A.
Other names: c.1424_1425del, p.Met475fs (NM_001282224.2); short protein forms M475fs.
Identifiers: ClinVar variation 1724878 (VCV001724878.3), dbSNP rs2522314447, ClinGen allele CA2580101485.
Genomic context (GRCh38, chrX:77,998,564, plus strand): 5'-GCTCAGCCTTCATCGGAAATGCCGCTTTTGACTTCAACTAATGAATTTTATACTAAAGGG[ATG>A]ACACCAGTTCAAGACAAGGAGGAAGGAAAGAATTCATCTAAGTGTTACATACAGGTCACT-3'